The following is an entry in ClinVar:

NC_000012.12:g.120978485C>T

Variant type: single nucleotide variant.
Genome position: GRCh38 VCF-style: chr12-120978485-C-T. GRCh37 (hg19) VCF-style: chr12-121416288-C-T.
Identifiers: ClinVar variation 3393497 (VCV003393497.1).

ClinVar aggregate classification (germline): Uncertain significance (3 of 4 stars; one submission).

Conditions:
Monogenic diabetes. Identifiers: Orphanet 183625, MedGen C3888631, MONDO:0015967.

Submission:

ClinGen Monogenic Diabetes Variant Curation Expert Panel
Classification: Uncertain significance for Monogenic diabetes. Last evaluated: 2025-01-03. Review status: reviewed by expert panel. Criteria: ClinGen Diabetes ACMG Specifications HNF1A V2.1.0. Collection method: curation. Allele origin: germline. Inheritance: Autosomal dominant inheritance.
Comment: The c.-284C>T variant in the HNF1 homeobox A gene, HNF1A, is a single nucleotide variant in the promoter region of NM_000545.8. This variant is located within the HNF4A binding site (–c.-276 to c.-288) of the promoter HNF1A, which is defined as critical for the protein’s function by the ClinGen MDEP (PM1_Supporting). This variant is absent from gnomAD v2.1.1 (PM2_Supporting). This variant was identified in an individual with a clinical history highly specific for HNF1A-monogenic diabetes (MODY probability calculator result >50%, negative genetic testing for HNF4A, negative antibodies, and >=3 generation family history of diabetes) (PP4_Moderate; internal lab contributors). In summary, c.-284C>T meets the criteria to be classified as a variant of uncertain significance for monogenic diabetes. ACMG/AMP criteria applied, as specified by the ClinGen MDEP (specification version 2.1.0, approved 8/11/2023): PP4_Moderate, PM1_Supporting, PM2_Supporting.